The following is an entry in ClinVar:

ClinVar aggregate classification (germline): Uncertain significance. Review status: criteria provided, multiple submitters, no conflicts (2 of 4 stars). 2 submissions from 2 submitters: Uncertain significance (2). Last evaluated 2022-09-02.

Conditions:
Retinitis pigmentosa 20 (RP20). Identifiers: Orphanet 791, MedGen C3151086, MONDO:0013425, OMIM 613794.
Leber congenital amaurosis 2 (LCA2). Also called: Autosomal Recessive RPE65-Related Retinal Degeneration; AMAUROSIS CONGENITA OF LEBER II. Identifiers: Orphanet 65, MedGen C1859844, MONDO:0008765, OMIM 204100. Disease mechanism: loss of function.

Submissions (2):

Labcorp Genetics (formerly Invitae), Labcorp
Classification: Uncertain significance for Leber congenital amaurosis 2; Retinitis pigmentosa 20. Last evaluated: 2022-09-02. Review status: criteria provided, single submitter. Criteria: Invitae Variant Classification Sherloc (09022015). Collection method: clinical testing. Allele origin: germline.
Comment: In summary, the available evidence is currently insufficient to determine the role of this variant in disease. Therefore, it has been classified as a Variant of Uncertain Significance. Algorithms developed to predict the effect of missense changes on protein structure and function (SIFT, PolyPhen-2, Align-GVGD) all suggest that this variant is likely to be tolerated. This variant has not been reported in the literature in individuals affected with RPE65-related conditions. This variant is not present in population databases (gnomAD no frequency). This sequence change replaces proline, which is neutral and non-polar, with serine, which is neutral and polar, at codon 412 of the RPE65 protein (p.Pro412Ser).

Blueprint Genetics
Classification: Uncertain significance. Last evaluated: 2018-10-10. Review status: criteria provided, single submitter. Criteria: ACMG Guidelines, 2015. Collection method: clinical testing. Allele origin: germline.

NM_000329.3(RPE65):c.1234C>T (p.Pro412Ser)

Gene: RPE65 (retinoid isomerohydrolase RPE65; minus strand). Cytogenetic location: 1p31.3.
Variant type: single nucleotide variant.
Coding change: c.1234C>T on transcript NM_000329.3 (MANE Select); coding-DNA position 1234, C replaced by T.
Protein change: p.Pro412Ser; replaces proline 412 with serine.
Molecular consequence: missense variant.
Genome position (GRCh38, 1-based): chr1:68,431,480, G>A on the plus strand (C>T on the coding strand, the complement: RPE65 is on the minus strand). VCF-style: chr1-68431480-G-A. GRCh37 (hg19) VCF-style: chr1-68897163-G-A.
Other names: c.1126C>T, p.Pro376Ser (NM_001406853.1); c.958C>T, p.Pro320Ser (NM_001406856.1, NM_001406857.1); short protein forms P320S, P376S, P412S.
Identifiers: ClinVar variation 1718699 (VCV001718699.6), dbSNP rs1458452392, ClinGen allele CA340742878.